The following is an entry in ClinVar:

ClinVar aggregate classification (germline): Uncertain significance (1 of 4 stars; one submission).

Submission:

Labcorp Genetics (formerly Invitae), Labcorp
Classification: Uncertain significance. Last evaluated: 2024-06-07. Review status: criteria provided, single submitter. Criteria: Invitae Variant Classification Sherloc (09022015). Collection method: clinical testing. Allele origin: germline.
Comment: This sequence change replaces aspartic acid, which is acidic and polar, with tyrosine, which is neutral and polar, at codon 693 of the DLL1 protein (p.Asp693Tyr). This variant is not present in population databases (gnomAD no frequency). This variant has not been reported in the literature in individuals affected with DLL1-related conditions. An algorithm developed to predict the effect of missense changes on protein structure and function (PolyPhen-2) suggests that this variant is likely to be tolerated. In summary, the available evidence is currently insufficient to determine the role of this variant in disease. Therefore, it has been classified as a Variant of Uncertain Significance.

NM_005618.4(DLL1):c.2077G>T (p.Asp693Tyr)

Genes: DLL1 (delta like canonical Notch ligand 1; minus strand), LOC126859913 (P300/CBP strongly-dependent group 1 enhancer GRCh37_chr6:170591232-170592431; plus strand). Cytogenetic location: 6q27.
Variant type: single nucleotide variant.
Coding change: c.2077G>T on transcript NM_005618.4 (MANE Select); coding-DNA position 2077, G replaced by T.
Protein change: p.Asp693Tyr; replaces aspartic acid 693 with tyrosine.
Molecular consequence: missense variant.
Genome position (GRCh38, 1-based): chr6:170,283,077, C>A on the plus strand (G>T on the coding strand, the complement: DLL1 is on the minus strand). VCF-style: chr6-170283077-C-A. GRCh37 (hg19) VCF-style: chr6-170592165-C-A.
Other names: short protein forms D693Y.
Identifiers: ClinVar variation 3692076 (VCV003692076.2).
Genomic context (GRCh38, chr6:170,283,077, plus strand): 5'-CCTCGGATATGACGTACACCGACTGGTACTTGGTGTCTTTTGAAGTTGAACAGCCCGAGT[C>A]CGGCCTTTTTCTTTCAGATGCTTCTCCACTAAAAGGAAAATAGAGAAAATCCACAATGAA-3'
Protein context (NP_005609.3, residues 683-703): GGEASERKRP[Asp693Tyr]SGCSTSKDTK